The following is an entry in ClinVar:

ClinVar aggregate classification (germline): Likely benign. Review status: criteria provided, multiple submitters, no conflicts (2 of 4 stars). 5 submissions from 5 submitters: Likely benign (4). 1 of the submissions does not count toward it. Last evaluated 2026-01-21.

Conditions:
Inborn genetic diseases. Identifiers: MedGen C0950123, MeSH D030342.
Fanconi anemia (FA). Also called: Fanconi's anemia. Identifiers: Orphanet 84, MedGen C0015625, MeSH D005199, MONDO:0019391.

Allele frequency attached by ClinVar (database versions not stated): gnomAD 0.00001; gnomAD exomes 0.00002.
gnomAD v4.1: 13 of 1,499,724 alleles (0.00087%); highest among the groups gnomAD compares: Middle Eastern, 0.021%; no homozygotes.

Submissions (5):

Labcorp Genetics (formerly Invitae), Labcorp
Classification: Likely benign for Fanconi anemia. Last evaluated: 2026-01-21. Review status: criteria provided, single submitter. Criteria: Invitae Variant Classification Sherloc (09022015). Collection method: clinical testing. Allele origin: germline.

Ambry Genetics
Classification: Likely benign for Inborn genetic diseases. Last evaluated: 2025-02-10. Review status: criteria provided, single submitter. Criteria: Ambry Variant Classification Scheme 2023. Collection method: clinical testing. Allele origin: germline.

CeGaT Center for Human Genetics Tuebingen
Classification: Likely benign. Last evaluated: 2024-08-01. Review status: criteria provided, single submitter. Criteria: CeGaT Center For Human Genetics Tuebingen Variant Classification Criteria Version 2. Collection method: clinical testing. Allele origin: germline. Affected: yes. Observed: 1 variant allele.
Comment: FANCA: BP4, BP7

Blueprint Genetics
Classification: Likely benign. Last evaluated: 2022-08-02. Review status: criteria provided, single submitter. Criteria: ACMG Guidelines, 2015. Collection method: clinical testing. Allele origin: germline.

Natera, Inc.
Classification: Likely benign for Fanconi anemia. Last evaluated: 2021-09-14. Review status: no assertion criteria provided. Collection method: clinical testing. Allele origin: germline. Not counted in ClinVar's aggregate classification.

NM_000135.4(FANCA):c.69C>T (p.Ala23=)

Genes: FANCA (FA complementation group A; minus strand), LOC112486223 (Sharpr-MPRA regulatory region 3988; plus strand). Cytogenetic location: 16q24.3.
Variant type: single nucleotide variant.
Coding change: c.69C>T on transcript NM_000135.4 (MANE Select); coding-DNA position 69, C replaced by T.
Protein change: p.Ala23=; no amino-acid change (alanine 23 retained).
Molecular consequence: synonymous variant.
Genome position (GRCh38, 1-based): chr16:89,816,547, G>A on the plus strand (C>T on the coding strand, the complement: FANCA is on the minus strand). VCF-style: chr16-89816547-G-A. GRCh37 (hg19) VCF-style: chr16-89882955-G-A.
Other names: c.69C>T (NM_000135.2); c.69C>T, p.Ala23= (NM_001018112.3, NM_001286167.3, NM_001351830.2).
Identifiers: ClinVar variation 1148831 (VCV001148831.30), dbSNP rs746429608, ClinGen allele CA8253260.
Genomic context (GRCh38, chr16:89,816,547, plus strand): 5'-CGTCCCGGGCCGGACGCCGCCCACTCCCGCGGCCTGCCGCGCCCACCTACCCAGCAGCTC[G>A]GCCCAGGCCCTCCGGCGGCCCCCTGGGTCCTGGCCCGAGGCGGAGTTCGGGACCCACGAG-3'
Protein context (NP_000126.2, residues 13-33): QDPGGRRRAW[Ala23=]ELLAGRVKRE